The following is an entry in ClinVar:

ClinVar aggregate classification (germline): Benign. Review status: criteria provided, single submitter (1 of 4 stars). 2 submissions from 1 submitter: Benign (2). Last evaluated 2018-01-13.

Conditions:
Susceptibility to mononeuropathy of the median nerve, mild. Also called: CARPAL TUNNEL SYNDROME, SUSCEPTIBILITY TO. Identifiers: MedGen C3150596, MONDO:0013237, OMIM 613353.
Charcot-Marie-Tooth disease type 4C (CMT4C). Also called: CHARCOT-MARIE-TOOTH DISEASE, DEMYELINATING, AUTOSOMAL RECESSIVE, TYPE 4C; CMT 4C; Charcot-Marie-Tooth Neuropathy Type 4C (CMT4C); CHARCOT-MARIE-TOOTH DISEASE, DEMYELINATING, TYPE 4C; SH3TC2-Related Hereditary Motor and Sensory Neuropathy. Identifiers: Orphanet 99949, MedGen C1866636, MONDO:0011113, OMIM 601596.

Allele frequency attached by ClinVar (database versions not stated): gnomAD 0.59322 and 0.59469; TOPMed 0.60996; 1000 Genomes Project 0.62340; 1000 Genomes Project 30x 0.62367.
gnomAD v4.1: 90,394 of 152,096 alleles (59%); highest among the groups gnomAD compares: East Asian, 73%; 27,094 homozygotes.

Submissions (2):

Illumina Laboratory Services, Illumina
Classification: Benign for Charcot-Marie-Tooth disease type 4C. Last evaluated: 2018-01-13. Review status: criteria provided, single submitter. Criteria: ICSL Variant Classification Criteria 13 December 2019. Collection method: clinical testing. Allele origin: germline.
Comment: This variant was observed in the ICSL laboratory as part of a predisposition screen in an ostensibly healthy population. It had not been previously curated by ICSL or reported in the Human Gene Mutation Database (HGMD: prior to June 1st, 2018), and was therefore a candidate for classification through an automated scoring system. Utilizing variant allele frequency, disease prevalence and penetrance estimates, and inheritance mode, an automated score was calculated to assess if this variant is too frequent to cause the disease. Based on the score and internal cut-off values, a variant classified as benign is not then subjected to further curation. The score for this variant resulted in a classification of benign for this disease.

Illumina Laboratory Services, Illumina
Classification: Benign for Susceptibility to mononeuropathy of the median nerve, mild. Last evaluated: 2018-01-13. Review status: criteria provided, single submitter. Criteria: ICSL Variant Classification Criteria 13 December 2019. Collection method: clinical testing. Allele origin: germline.
Comment: the same text as in the submission from Illumina Laboratory Services, Illumina above.

NM_024577.4(SH3TC2):c.*17703A>G

Gene: SH3TC2 (SH3 domain and tetratricopeptide repeats 2; minus strand). Cytogenetic location: 5q32.
Variant type: single nucleotide variant.
Coding change: c.*17703A>G on transcript NM_024577.4 (MANE Select); 17703 bases downstream of the stop codon, A replaced by G.
Molecular consequence: 3 prime UTR variant.
Genome position (GRCh38, 1-based): chr5:148,987,008, T>C on the plus strand (A>G on the coding strand, the complement: SH3TC2 is on the minus strand). VCF-style: chr5-148987008-T-C. GRCh37 (hg19) VCF-style: chr5-148366571-T-C.
Identifiers: ClinVar variation 351616 (VCV000351616.5), dbSNP rs4235739, ClinGen allele CA10619429.